The following is an entry in ClinVar:

NM_004655.4(AXIN2):c.2405+1G>A

Gene: AXIN2 (axin 2; minus strand). Cytogenetic location: 17q24.1.
Variant type: single nucleotide variant.
Coding change: c.2405+1G>A on transcript NM_004655.4 (MANE Select); the canonical splice donor site of the intron after coding-DNA position 2405, G replaced by A.
Molecular consequence: splice donor variant.
Genome position (GRCh38, 1-based): chr17:65,533,911, C>T on the plus strand (G>A on the coding strand, the complement: AXIN2 is on the minus strand). VCF-style: chr17-65533911-C-T. GRCh37 (hg19) VCF-style: chr17-63530029-C-T.
Other names: c.2210+1G>A (NM_001363813.1); c.2405+1G>A (NM_004655.3).
Identifiers: ClinVar variation 1434537 (VCV001434537.9), dbSNP rs2144417999, ClinGen allele CA400675309.

ClinVar aggregate classification (germline): Uncertain significance. Review status: criteria provided, multiple submitters, no conflicts (2 of 4 stars). 2 submissions from 2 submitters: Uncertain significance (2). Last evaluated 2025-08-18.

Conditions:
Hereditary cancer-predisposing syndrome. Also called: Hereditary Cancer Syndrome; Hereditary neoplastic syndrome; Neoplastic Syndromes, Hereditary; Tumor predisposition. Identifiers: Orphanet 140162, MedGen C0027672, MeSH D009386, MONDO:0015356.
Oligodontia-cancer predisposition syndrome. Also called: TOOTH AGENESIS-COLORECTAL CANCER SYNDROME. Identifiers: Orphanet 300576, MedGen C1837750, MONDO:0012075, OMIM 608615. Disease mechanism: loss of function.

Submissions (2):

Ambry Genetics
Classification: Uncertain significance for Hereditary cancer-predisposing syndrome. Last evaluated: 2025-08-18. Review status: criteria provided, single submitter. Criteria: Ambry Variant Classification Scheme 2023. Collection method: clinical testing. Allele origin: germline.
Comment: The c.2405+1G>A intronic variant results from a G to A substitution one nucleotide after coding exon 9 of the AXIN2 gene. Alterations that disrupt the canonical splice site are expected to result in aberrant splicing. In silico splice site analysis predicts that this alteration will weaken the native splice donor site; however, direct evidence is insufficient at this time (Ambry internal data). The resulting transcript is predicted to be in-frame and is not expected to trigger nonsense-mediated mRNA decay; however, direct evidence is unavailable. The exact functional effect of the altered amino acid sequence is unknown. This nucleotide position is highly conserved in available vertebrate species. Since supporting evidence is limited at this time, the clinical significance of this alteration remains unclear.

Labcorp Genetics (formerly Invitae), Labcorp
Classification: Uncertain significance for Oligodontia-cancer predisposition syndrome. Last evaluated: 2025-05-27. Review status: criteria provided, single submitter. Criteria: Invitae Variant Classification Sherloc (09022015). Collection method: clinical testing. Allele origin: germline.
Comment: This sequence change affects a donor splice site in intron 10 of the AXIN2 gene. While this variant is not anticipated to result in nonsense mediated decay, it likely alters RNA splicing and results in a disrupted protein product. This variant is not present in population databases (gnomAD no frequency). This variant has not been reported in the literature in individuals affected with AXIN2-related conditions. ClinVar contains an entry for this variant (Variation ID: 1434537). Variants that disrupt the consensus splice site are a relatively common cause of aberrant splicing (PMID: 17576681, 9536098). Algorithms developed to predict the effect of sequence changes on RNA splicing suggest that this variant may disrupt the consensus splice site. In summary, the available evidence is currently insufficient to determine the role of this variant in disease. Therefore, it has been classified as a Variant of Uncertain Significance.

Literature cited by the submitters: PubMed 17576681 (cited by Labcorp Genetics (formerly Invitae), Labcorp); PubMed 9536098 (cited by Labcorp Genetics (formerly Invitae), Labcorp).